The following is an entry in ClinVar:

ClinVar aggregate classification (germline): Pathogenic (1 of 4 stars; one submission).

Conditions:
Propionic acidemia (PROP). Also called: GLYCINEMIA, KETOTIC; HYPERGLYCINEMIA WITH KETOACIDOSIS AND LEUKOPENIA; KETOTIC HYPERGLYCINEMIA. Identifiers: Orphanet 35, MedGen C0268579, MONDO:0011628, OMIM 606054, HP:0003571.

Submission:

Lupski Lab, Baylor-Hopkins CMG, Baylor College of Medicine
Classification: Pathogenic for Propionic acidemia. Last evaluated: 2026-05-13. Review status: criteria provided, single submitter. Criteria: ACMG Guidelines, 2015. Collection method: research. Allele origin: germline. Inheritance: Autosomal recessive inheritance. Affected: yes and no. Observed: 5 variant alleles, 2 heterozygotes, 2 homozygotes, 1 hemizygote.
Comment: This c.966+1334A>G variant was identified as homozygous in twin individuals with biochemically confirmed propionic acidemia. This is a predicted loss of function variant (PVS1) which is demonstrated in our laboratory by RNA sequencing of patient PBMC samples to result in a pseudoexon inclusion that incorporates a premature stop codon (PS3 not considered due to use of PVS1 criterion and lack of clarity around guidelines for inclusion of both functional criteria). This same variant has been previously described in Kurolap et al (PMID 37776842), where it was also demonstrated through RNA sequencing to result in pseudoexon inclusion and early termination. In total, this splice variant has been observed as homozygous in two additional unrelated families (one individual per family) described by Kurolap et al (PMID 37776842) (PS4_Moderate). The c.966+1334A>G variant is rare in gnomAD v4 (overall MAF ; 4 alleles) and this frequency is consistent with the reported propionic acidemia prevalence of 1 in 100,000 - 150,000 (PM2_supporting). We additionally considered phenotype specificity and co-segregation. Together, PCCA and PCCB account for essentially all cases of propionic acidemia. Long-read sequencing was used to assess both loci. In this context, we assign a prior probability of 99.9% (12 points, ClinGen SVI, Biesecker et al, PMID 38103548). The combination of PVS1_VeryStrong + PP1_Strong + PS4_Moderate + PM2_Supporting + PP4_Supporting is consistent with the assessment of this variant as pathogenic. Of note, we did not invoke BS2 given the relative frequency of the previously reported (PMID 37776842) 5.2 kb intronic PCCB deletion, which has been demonstrated to result in mis-genotyping of the c.966+1334A>G variant when it is present on the trans allele.

Literature cited by the submitters: PubMed 37776842.

NM_000532.5(PCCB):c.966+1334A>G

Gene: PCCB (propionyl-CoA carboxylase subunit beta; plus strand). Cytogenetic location: 3q22.3.
Variant type: single nucleotide variant.
Coding change: c.966+1334A>G on transcript NM_000532.5 (MANE Select); 1334 bases into the intron after coding-DNA position 966, A replaced by G.
Molecular consequence: intron variant.
Genome position (GRCh38, 1-based): chr3:136,302,445, A>G. VCF-style: chr3-136302445-A-G. GRCh37 (hg19) VCF-style: chr3-136021287-A-G.
Other names: c.1026+1334A>G (NM_001178014.2).
Identifiers: ClinVar variation 4852516 (VCV004852516.1).